The following is an entry in ClinVar:

ClinVar aggregate classification (germline): Uncertain significance. Review status: criteria provided, single submitter (1 of 4 stars). 2 submissions from 2 submitters: Uncertain significance (1). 1 of the submissions does not count toward it. Last evaluated 2025-10-18.

Conditions:
STOX1-related disorder. Also called: STOX1-related condition.

Allele frequency attached by ClinVar (database versions not stated): ExAC 0.00076; ESP Exome Variant Server 0.00258; 1000 Genomes Project 0.00300; 1000 Genomes Project 30x 0.00344.
gnomAD v4.1: 727 of 1,614,152 alleles (0.045%); highest among the groups gnomAD compares: African/African-American, 0.9%; 3 homozygotes.

Submissions (2):

Ambry Genetics
Classification: Uncertain significance. Last evaluated: 2025-10-18. Review status: criteria provided, single submitter. Criteria: Ambry Variant Classification Scheme 2023. Collection method: clinical testing. Allele origin: germline.

PreventionGenetics, part of Exact Sciences
Classification: Likely benign for STOX1-related condition. Last evaluated: 2019-03-05. Review status: no assertion criteria provided. Collection method: clinical testing. Allele origin: germline. Not counted in ClinVar's aggregate classification.
Comment: This variant is classified as likely benign based on ACMG/AMP sequence variant interpretation guidelines (Richards et al. 2015 PMID: 25741868, with internal and published modifications).

NM_152709.5(STOX1):c.923G>C (p.Gly308Ala)

Gene: STOX1 (storkhead box 1; plus strand). Cytogenetic location: 10q22.1.
Variant type: single nucleotide variant.
Coding change: c.923G>C on transcript NM_152709.5 (MANE Select); coding-DNA position 923, G replaced by C.
Protein change: p.Gly308Ala; replaces glycine 308 with alanine.
Molecular consequence: missense variant. On other transcripts: intron variant (2).
Genome position (GRCh38, 1-based): chr10:68,884,719, G>C. VCF-style: chr10-68884719-G-C. GRCh37 (hg19) VCF-style: chr10-70644475-G-C.
Other names: c.923G>C, p.Gly308Ala (NM_001130161.4); c.663+260G>C (NM_001130159.3); c.463+2609G>C (NM_001130160.3); short protein forms G308A.
Identifiers: ClinVar variation 3045568 (VCV003045568.3), dbSNP rs57004679, ClinGen allele CA5528075.
Genomic context (GRCh38, chr10:68,884,719, plus strand): 5'-CGGAGCACCACATTTGTGAGAGCACCAAACCTTTACCATACACAAGAGATAAAGAAAAAG[G>C]CAAGAAGTTTGGTTTTAGTCTCTTATGGCGCAGCTTATCTAGAAAGGAGAAGCCCAAAAC-3'
Protein context (NP_689922.3, residues 298-318): PLPYTRDKEK[Gly308Ala]KKFGFSLLWR